The following is an entry in ClinVar:

NM_006922.4(SCN3A):c.4253G>A (p.Gly1418Asp)

Gene: SCN3A (sodium voltage-gated channel alpha subunit 3; minus strand). Cytogenetic location: 2q24.3.
Variant type: single nucleotide variant.
Coding change: c.4253G>A on transcript NM_006922.4 (MANE Select); coding-DNA position 4253, G replaced by A.
Protein change: p.Gly1418Asp; replaces glycine 1418 with aspartic acid.
Molecular consequence: missense variant.
Genome position (GRCh38, 1-based): chr2:165,096,507, C>T on the plus strand (G>A on the coding strand, the complement: SCN3A is on the minus strand). VCF-style: chr2-165096507-C-T. GRCh37 (hg19) VCF-style: chr2-165953017-C-T.
Other names: c.4106G>A, p.Gly1369Asp (NM_001081676.2, NM_001081677.2); short protein forms G1369D, G1418D.
Identifiers: ClinVar variation 3372731 (VCV003372731.1).

ClinVar aggregate classification (germline): Uncertain significance (1 of 4 stars; one submission).

Submission:

GeneDx
Classification: Uncertain significance. Last evaluated: 2024-04-16. Review status: criteria provided, single submitter. Criteria: GeneDx Variant Classification Process June 2021. Collection method: clinical testing. Allele origin: germline. Affected: yes.
Comment: Not observed at significant frequency in large population cohorts (gnomAD); In silico analysis supports that this missense variant has a deleterious effect on protein structure/function; Has not been previously published as pathogenic or benign to our knowledge